The following is an entry in ClinVar:

ClinVar aggregate classification (germline): Uncertain significance (1 of 4 stars; one submission).

gnomAD v4.1: 31 of 1,614,050 alleles (0.0019%); highest among the groups gnomAD compares: Middle Eastern, 0.033%; 1 homozygote.

Submission:

GeneDx
Classification: Uncertain significance. Last evaluated: 2025-07-25. Review status: criteria provided, single submitter. Criteria: GeneDx Variant Classification Process June 2021. Collection method: clinical testing. Allele origin: germline. Affected: yes.
Comment: In silico analysis supports that this missense variant has a deleterious effect on protein structure/function; Has not been previously published as pathogenic or benign to our knowledge; This variant is associated with the following publications: (PMID: 23472759)

NM_002291.3(LAMB1):c.2249C>T (p.Pro750Leu)

Gene: LAMB1 (laminin subunit beta 1; minus strand). Cytogenetic location: 7q31.1.
Variant type: single nucleotide variant.
Coding change: c.2249C>T on transcript NM_002291.3 (MANE Select); coding-DNA position 2249, C replaced by T.
Protein change: p.Pro750Leu; replaces proline 750 with leucine.
Molecular consequence: missense variant.
Genome position (GRCh38, 1-based): chr7:107,960,510, G>A on the plus strand (C>T on the coding strand, the complement: LAMB1 is on the minus strand). VCF-style: chr7-107960510-G-A. GRCh37 (hg19) VCF-style: chr7-107600955-G-A.
Other names: short protein forms P750L.
Identifiers: ClinVar variation 4686764 (VCV004686764.1).